The following is an entry in ClinVar:

ClinVar aggregate classification (germline): Uncertain significance (1 of 4 stars; one submission).

Conditions:
Hajdu-Cheney syndrome (HJCYS). Also called: Acroosteolysis dominant type; ACROOSTEOLYSIS WITH OSTEOPOROSIS AND CHANGES IN SKULL AND MANDIBLE; SERPENTINE FIBULA-POLYCYSTIC KIDNEY SYNDROME. Identifiers: Orphanet 955, MedGen C0917715, MONDO:0007057, OMIM 102500.

Submission:

Labcorp Genetics (formerly Invitae), Labcorp
Classification: Uncertain significance for Hajdu-Cheney syndrome. Last evaluated: 2025-04-27. Review status: criteria provided, single submitter. Criteria: Invitae Variant Classification Sherloc (09022015). Collection method: clinical testing. Allele origin: germline.
Comment: This sequence change replaces isoleucine, which is neutral and non-polar, with valine, which is neutral and non-polar, at codon 2084 of the NOTCH2 protein (p.Ile2084Val). This variant is present in population databases (no rsID available, gnomAD 0.01%). This variant has not been reported in the literature in individuals affected with NOTCH2-related conditions. Invitae Evidence Modeling of protein sequence and biophysical properties (such as structural, functional, and spatial information, amino acid conservation, physicochemical variation, residue mobility, and thermodynamic stability) indicates that this missense variant is not expected to disrupt NOTCH2 protein function with a negative predictive value of 80%. In summary, the available evidence is currently insufficient to determine the role of this variant in disease. Therefore, it has been classified as a Variant of Uncertain Significance.

NM_024408.4(NOTCH2):c.6250A>G (p.Ile2084Val)

Gene: NOTCH2 (notch receptor 2; minus strand). Cytogenetic location: 1p12.
Variant type: single nucleotide variant.
Coding change: c.6250A>G on transcript NM_024408.4 (MANE Select); coding-DNA position 6250, A replaced by G.
Protein change: p.Ile2084Val; replaces isoleucine 2084 with valine.
Molecular consequence: missense variant.
Genome position (GRCh38, 1-based): chr1:119,916,472, T>C on the plus strand (A>G on the coding strand, the complement: NOTCH2 is on the minus strand). VCF-style: chr1-119916472-T-C. GRCh37 (hg19) VCF-style: chr1-120459095-T-C.
Other names: short protein forms I2084V.
Identifiers: ClinVar variation 4742361 (VCV004742361.1).